The following is an entry in ClinVar:

NM_001378414.1(HDAC4):c.2892G>C (p.Gln964His)

Gene: HDAC4 (histone deacetylase 4; minus strand). Cytogenetic location: 2q37.3.
Variant type: single nucleotide variant.
Coding change: c.2892G>C on transcript NM_001378414.1 (MANE Select); coding-DNA position 2892, G replaced by C.
Protein change: p.Gln964His; replaces glutamine 964 with histidine.
Molecular consequence: missense variant.
Genome position (GRCh38, 1-based): chr2:239,066,833, C>G on the plus strand (G>C on the coding strand, the complement: HDAC4 is on the minus strand). VCF-style: chr2-239066833-C-G. GRCh37 (hg19) VCF-style: chr2-239988529-C-G.
Other names: c.2892G>C, p.Gln964His (NM_001378415.1); c.2877G>C, p.Gln959His (NM_001378416.1, NM_001378417.1, NM_006037.4); c.2811G>C, p.Gln937His (NM_001435991.1, NM_001435992.1); c.2733G>C, p.Gln911His (NM_001435993.1); short protein forms Q964H, Q911H, Q959H, Q937H.
Identifiers: ClinVar variation 5009280 (VCV005009280.1).

ClinVar aggregate classification (germline): Uncertain significance (1 of 4 stars; one submission).

Submission:

GeneDx
Classification: Uncertain significance. Last evaluated: 2026-03-16. Review status: criteria provided, single submitter. Criteria: GeneDx Variant Classification Process June 2021. Collection method: clinical testing. Allele origin: germline.
Comment: Not observed at significant frequency in large population cohorts (gnomAD); In silico analysis supports that this missense variant has a deleterious effect on protein structure/function; Has not been previously published as pathogenic or benign to our knowledge